The following is an entry in ClinVar:

ClinVar aggregate classification (germline): Uncertain significance. Review status: criteria provided, multiple submitters, no conflicts (2 of 4 stars). 2 submissions from 2 submitters: Uncertain significance (2). Last evaluated 2025-02-10.

Conditions:
RASopathy. Also called: rasopathies; Noonan spectrum disorder. Identifiers: Orphanet 536391, MedGen C5555857, MONDO:0021060.
Cardiovascular phenotype. Identifiers: MedGen CN230736.

gnomAD v4.1: 3 of 1,613,944 alleles (0.00019%); highest among the groups gnomAD compares: African/African-American, 0.004%; no homozygotes.

Submissions (2):

Ambry Genetics
Classification: Uncertain significance for Cardiovascular phenotype. Last evaluated: 2025-02-10. Review status: criteria provided, single submitter. Criteria: Ambry Variant Classification Scheme 2023. Collection method: clinical testing. Allele origin: germline.
Comment: The p.K166R variant (also known as c.497A>G), located in coding exon 3 of the CBL gene, results from an A to G substitution at nucleotide position 497. The lysine at codon 166 is replaced by arginine, an amino acid with highly similar properties. This amino acid position is conserved. In addition, this alteration is predicted to be deleterious by in silico analysis. Based on the available evidence, the clinical significance of this variant remains unclear.

Labcorp Genetics (formerly Invitae), Labcorp
Classification: Uncertain significance for RASopathy. Last evaluated: 2024-04-16. Review status: criteria provided, single submitter. Criteria: Invitae Variant Classification Sherloc (09022015). Collection method: clinical testing. Allele origin: germline.
Comment: This sequence change replaces lysine, which is basic and polar, with arginine, which is basic and polar, at codon 166 of the CBL protein (p.Lys166Arg). This variant is present in population databases (rs750257998, gnomAD 0.01%). This variant has not been reported in the literature in individuals affected with CBL-related conditions. Advanced modeling of protein sequence and biophysical properties (such as structural, functional, and spatial information, amino acid conservation, physicochemical variation, residue mobility, and thermodynamic stability) has been performed at Invitae for this missense variant, however the output from this modeling did not meet the statistical confidence thresholds required to predict the impact of this variant on CBL protein function. In summary, the available evidence is currently insufficient to determine the role of this variant in disease. Therefore, it has been classified as a Variant of Uncertain Significance.

NM_005188.4(CBL):c.497A>G (p.Lys166Arg)

Gene: CBL (Cbl proto-oncogene; plus strand). Cytogenetic location: 11q23.3.
Variant type: single nucleotide variant.
Coding change: c.497A>G on transcript NM_005188.4 (MANE Select); coding-DNA position 497, A replaced by G.
Protein change: p.Lys166Arg; replaces lysine 166 with arginine.
Molecular consequence: missense variant.
Genome position (GRCh38, 1-based): chr11:119,271,788, A>G. VCF-style: chr11-119271788-A-G. GRCh37 (hg19) VCF-style: chr11-119142498-A-G.
Other names: c.497A>G (NM_005188.2); short protein forms K166R.
Identifiers: ClinVar variation 3616779 (VCV003616779.3).